The following is an entry in ClinVar:

NM_003786.4(ABCC3):c.2913G>A (p.Thr971=)

Gene: ABCC3 (ATP binding cassette subfamily C member 3; plus strand). Cytogenetic location: 17q21.33.
Variant type: single nucleotide variant.
Coding change: c.2913G>A on transcript NM_003786.4 (MANE Select); coding-DNA position 2913, G replaced by A.
Protein change: p.Thr971=; no amino-acid change (threonine 971 retained).
Molecular consequence: synonymous variant.
Genome position (GRCh38, 1-based): chr17:50,675,936, G>A. VCF-style: chr17-50675936-G-A. GRCh37 (hg19) VCF-style: chr17-48753297-G-A.
Identifiers: ClinVar variation 5038771 (VCV005038771.1).

ClinVar aggregate classification (germline): Likely benign (1 of 4 stars; one submission).

gnomAD v4.1: 350 of 1,614,172 alleles (0.022%); highest among the groups gnomAD compares: African/African-American, 0.041%; no homozygotes.

Submission:

CeGaT Center for Human Genetics Tuebingen
Classification: Likely benign. Last evaluated: 2026-07-01. Review status: criteria provided, single submitter. Criteria: CeGaT Center For Human Genetics Tuebingen Variant Classification Criteria Version 2. Collection method: clinical testing. Allele origin: germline. Affected: yes. Observed: 1 variant allele.
Comment: ABCC3: BP4, BP7